The following is an entry in ClinVar:

ClinVar aggregate classification (germline): Uncertain significance (1 of 4 stars; one submission).

Conditions:
Hereditary cancer-predisposing syndrome. Also called: Tumor predisposition; Neoplastic Syndromes, Hereditary; Hereditary Cancer Syndrome; Hereditary neoplastic syndrome. Identifiers: Orphanet 140162, MedGen C0027672, MeSH D009386, MONDO:0015356.

Submission:

Ambry Genetics
Classification: Uncertain significance for Hereditary cancer-predisposing syndrome. Last evaluated: 2025-02-22. Review status: criteria provided, single submitter. Criteria: Ambry Variant Classification Scheme 2023. Collection method: clinical testing. Allele origin: germline.
Comment: The p.T50A variant (also known as c.148A>G), located in coding exon 1 of the PHOX2B gene, results from an A to G substitution at nucleotide position 148. The threonine at codon 50 is replaced by alanine, an amino acid with similar properties. This amino acid position is conserved. In addition, the in silico prediction for this alteration is inconclusive. Based on the available evidence, the clinical significance of this variant remains unclear.

NM_003924.4(PHOX2B):c.148A>G (p.Thr50Ala)

Genes: PHOX2B (paired like homeobox 2B; minus strand), PHOX2B-AS1 (PHOX2B antisense RNA 1; plus strand). Cytogenetic location: 4p13.
Variant type: single nucleotide variant.
Coding change: c.148A>G on transcript NM_003924.4 (MANE Select); coding-DNA position 148, A replaced by G.
Protein change: p.Thr50Ala; replaces threonine 50 with alanine.
Molecular consequence: missense variant. On other transcripts: non-coding transcript variant (1).
Genome position (GRCh38, 1-based): chr4:41,748,463, T>C on the plus strand (A>G on the coding strand, the complement: PHOX2B is on the minus strand). VCF-style: chr4-41748463-T-C. GRCh37 (hg19) VCF-style: chr4-41750480-T-C.
Other names: short protein forms T50A.
Identifiers: ClinVar variation 3888487 (VCV003888487.1).
Genomic context (GRCh38, chr4:41,748,463, plus strand): 5'-GGGTGCCCAGGCTGCAGGATCCCGGCGTGAGGGAAGGGCAGCCGGACGTGGCCCCAAAAG[T>C]GGTCCTTATCGGGTTATACTGGAAGCCACTGGCCTGGCTGCAGGAACTGAAGTCAGCATA-3'
Protein context (NP_003915.2, residues 40-60): SGFQYNPIRT[Thr50Ala]FGATSGCPSL